The following is an entry in ClinVar:

ClinVar aggregate classification (germline): Pathogenic (1 of 4 stars; one submission).

Conditions:
Gastrointestinal stromal tumor. Also called: Gastrointestinal stroma tumor; Gastrointestinal stromal tumor, somatic. Identifiers: Orphanet 44890, MedGen C0238198, MeSH D046152, MONDO:0011719, OMIM 606764, HP:0100723.

Submission:

Labcorp Genetics (formerly Invitae), Labcorp
Classification: Pathogenic for Gastrointestinal stromal tumor. Last evaluated: 2021-12-15. Review status: criteria provided, single submitter. Criteria: Invitae Variant Classification Sherloc (09022015). Collection method: clinical testing. Allele origin: germline.
Comment: This sequence change creates a premature translational stop signal (p.Cys12Leufs*44) in the KIT gene. It is expected to result in an absent or disrupted protein product. Loss-of-function variants in KIT are known to be pathogenic (PMID: 15194144). For these reasons, this variant has been classified as Pathogenic. This variant has not been reported in the literature in individuals affected with KIT-related conditions. This variant is not present in population databases (gnomAD no frequency).

Literature cited by the submitters: PubMed 15194144.

NM_000222.3(KIT):c.32_33insG (p.Cys12fs)

Gene: KIT (KIT proto-oncogene, receptor tyrosine kinase; plus strand). Cytogenetic location: 4q12.
Variant type: Insertion.
Coding change: c.32_33insG on transcript NM_000222.3 (MANE Select); coding-DNA positions 32 to 33, G inserted.
Protein change: p.Cys12fs; shifts the reading frame from cysteine 12.
Molecular consequence: frameshift variant.
Genome position: GRCh38 VCF-style: chr4-54658046-T-TG. GRCh37 (hg19) VCF-style: chr4-55524213-T-TG.
Other names: c.32_33insG, p.Cys12fs (NM_001093772.2, NM_001385284.1, NM_001385285.1 and 4 more transcripts); short protein forms C12fs.
Identifiers: ClinVar variation 2043850 (VCV002043850.4), dbSNP rs2475323315, ClinGen allele CA2580071085.